The following is an entry in ClinVar:

ClinVar aggregate classification (germline): Uncertain significance (1 of 4 stars; one submission).

Submission:

Labcorp Genetics (formerly Invitae), Labcorp
Classification: Uncertain significance. Last evaluated: 2022-04-15. Review status: criteria provided, single submitter. Criteria: Invitae Variant Classification Sherloc (09022015). Collection method: clinical testing. Allele origin: germline.
Comment: This variant has not been reported in the literature in individuals affected with SNORD118-related conditions. In summary, the available evidence is currently insufficient to determine the role of this variant in disease. Therefore, it has been classified as a Variant of Uncertain Significance. Experimental studies and prediction algorithms are not available or were not evaluated, and the functional significance of this variant is currently unknown. This variant is not present in population databases (gnomAD no frequency). This variant occurs in the SNORD118 gene, which encodes an RNA molecule that does not result in a protein product.

NR_033294.2(SNORD118):n.100_111del

Genes: SNORD118 (small nucleolar RNA, C/D box 118; minus strand), TMEM107 (transmembrane protein 107; minus strand). Cytogenetic location: 17p13.1.
Variant type: Deletion.
Molecular consequence: non-coding transcript variant (on NR_033294.2). On other transcripts: 3 prime UTR variant (5).
Genome position: GRCh38 VCF-style: chr17-8173477-TTGCAAGTCCTGA-T. GRCh37 (hg19) VCF-style: chr17-8076795-TTGCAAGTCCTGA-T.
Other names: c.*714_*725del (NM_001351278.2, NM_001351279.2, NM_001351280.2 and 2 more transcripts).
Identifiers: ClinVar variation 2126479 (VCV002126479.4), dbSNP rs2507709574, ClinGen allele CA2580094917.